The following is an entry in ClinVar:

NM_001035.3(RYR2):c.8855A>T (p.Glu2952Val)

Gene: RYR2 (ryanodine receptor 2; plus strand). Cytogenetic location: 1q43.
Variant type: single nucleotide variant.
Coding change: c.8855A>T on transcript NM_001035.3 (MANE Select); coding-DNA position 8855, A replaced by T.
Protein change: p.Glu2952Val; replaces glutamic acid 2952 with valine.
Molecular consequence: missense variant.
Genome position (GRCh38, 1-based): chr1:237,678,072, A>T. VCF-style: chr1-237678072-A-T. GRCh37 (hg19) VCF-style: chr1-237841372-A-T.
Other names: short protein forms E2952V.
Identifiers: ClinVar variation 3894001 (VCV003894001.1).
Genomic context (GRCh38, chr1:237,678,072, plus strand): 5'-GTGCAGCATTTACCTAAAAACTCTTCAAATCTACAGATGGTGGCAGCAGAGGCAAAGGAG[A>T]ACATTTCCCTTATGAACAAGAAATCAAGTTCTTTGCAAAAGTACAGTATACAATCTATCT-3'
Protein context (NP_001026.2, residues 2942-2962): EFDGGSRGKG[Glu2952Val]HFPYEQEIKF

ClinVar aggregate classification (germline): Uncertain significance (1 of 4 stars; one submission).

Conditions:
Cardiomyopathy (CMYO). Also called: Cardiomyopathies. Identifiers: Orphanet 167848, MedGen C0878544, MONDO:0004994, HP:0001638. Inheritance: Various modes of inheritance.

Submission:

Color Diagnostics, LLC DBA Color Health
Classification: Uncertain significance for Cardiomyopathy. Last evaluated: 2024-07-26. Review status: criteria provided, single submitter. Criteria: ACMG Guidelines, 2015. Collection method: clinical testing. Allele origin: germline.
Comment: This missense variant replaces glutamic acid with valine at codon 2952 of the RYR2 protein. Computational prediction is inconclusive regarding the impact of this variant on protein structure and function (internally defined REVEL score threshold 0.5 < inconclusive < 0.7, PMID: 27666373). To our knowledge, functional studies have not been reported for this variant. This variant has not been reported in individuals affected with RYR2-related disorders in the literature. This variant has not been identified in the general population by the Genome Aggregation Database (gnomAD). The available evidence is insufficient to determine the role of this variant in disease conclusively. Therefore, this variant is classified as a Variant of Uncertain Significance.